The following is an entry in ClinVar:

ClinVar aggregate classification (germline): Uncertain significance (1 of 4 stars; one submission).

Conditions:
Birt-Hogg-Dube syndrome. Also called: Birt Hogg Dubé syndrome. Identifiers: Orphanet 122, MedGen C0346010, MONDO:0800444.

Allele frequency attached by ClinVar (database versions not stated): gnomAD exomes below 0.00001.
gnomAD v4.1: 1 of 1,611,628 alleles (0.000062%); highest among the groups gnomAD compares: Non-Finnish European, 0.000085%; no homozygotes.

Submission:

Labcorp Genetics (formerly Invitae), Labcorp
Classification: Uncertain significance for Birt-Hogg-Dube syndrome. Last evaluated: 2021-09-21. Review status: criteria provided, single submitter. Criteria: Invitae Variant Classification Sherloc (09022015). Collection method: clinical testing. Allele origin: germline.
Comment: This variant is not present in population databases (ExAC no frequency). This sequence change replaces alanine with proline at codon 277 of the FLCN protein (p.Ala277Pro). The alanine residue is highly conserved and there is a small physicochemical difference between alanine and proline. This variant has not been reported in the literature in individuals affected with FLCN-related conditions. In summary, the available evidence is currently insufficient to determine the role of this variant in disease. Therefore, it has been classified as a Variant of Uncertain Significance. Algorithms developed to predict the effect of missense changes on protein structure and function (SIFT, PolyPhen-2, Align-GVGD) all suggest that this variant is likely to be tolerated.

NM_144997.7(FLCN):c.829G>C (p.Ala277Pro)

Gene: FLCN (folliculin; minus strand). Cytogenetic location: 17p11.2.
Variant type: single nucleotide variant.
Coding change: c.829G>C on transcript NM_144997.7 (MANE Select); coding-DNA position 829, G replaced by C.
Protein change: p.Ala277Pro; replaces alanine 277 with proline.
Molecular consequence: missense variant.
Genome position (GRCh38, 1-based): chr17:17,221,579, C>G on the plus strand (G>C on the coding strand, the complement: FLCN is on the minus strand). VCF-style: chr17-17221579-C-G. GRCh37 (hg19) VCF-style: chr17-17124893-C-G.
Other names: c.883G>C, p.Ala295Pro (NM_001353229.2); c.829G>C, p.Ala277Pro (NM_001353230.2, NM_001353231.2, NM_144606.7); short protein forms A295P, A277P.
Identifiers: ClinVar variation 1380703 (VCV001380703.6), dbSNP rs2144932624, ClinGen allele CA398533701.
Genomic context (GRCh38, chr17:17,221,579, plus strand): 5'-ACAGCACCCCTGCCTCACCAGCGAGCTTCTCCATCTGGACCAAGGTATCCTCGGTCGGAG[C>G]ACCTTCCAGGAGCTTCTCGGTCAGCCGGCTGCCACACGCCTTCAGGAGCCTGGAGAACAC-3'
Protein context (NP_659434.2, residues 267-287): SRLTEKLLEG[Ala277Pro]PTEDTLVQME